The following is an entry in ClinVar:

ClinVar aggregate classification (germline): Uncertain significance (1 of 4 stars; one submission).

Allele frequency attached by ClinVar (database versions not stated): ExAC 0.00001; gnomAD 0.00001; gnomAD exomes 0.00002; TOPMed 0.00003; ESP Exome Variant Server 0.00008.

Submission:

Labcorp Genetics (formerly Invitae), Labcorp
Classification: Uncertain significance. Last evaluated: 2024-01-08. Review status: criteria provided, single submitter. Criteria: Invitae Variant Classification Sherloc (09022015). Collection method: clinical testing. Allele origin: germline.
Comment: This sequence change replaces glutamic acid, which is acidic and polar, with lysine, which is basic and polar, at codon 126 of the MKL1 protein (p.Glu126Lys). The frequency data for this variant in the population databases is considered unreliable, as metrics indicate poor data quality at this position in the gnomAD database. This variant has not been reported in the literature in individuals affected with MKL1-related conditions. ClinVar contains an entry for this variant (Variation ID: 1683151). An algorithm developed to predict the effect of missense changes on protein structure and function (PolyPhen-2) suggests that this variant is likely to be disruptive. In summary, the available evidence is currently insufficient to determine the role of this variant in disease. Therefore, it has been classified as a Variant of Uncertain Significance.

NM_020831.6(MRTFA):c.676G>A (p.Glu226Lys)

Gene: MRTFA (myocardin related transcription factor A; minus strand). Cytogenetic location: 22q13.1.
Variant type: single nucleotide variant.
Coding change: c.676G>A on transcript NM_020831.6 (MANE Select); coding-DNA position 676, G replaced by A.
Protein change: p.Glu226Lys; replaces glutamic acid 226 with lysine.
Molecular consequence: missense variant.
Genome position (GRCh38, 1-based): chr22:40,424,307, C>T on the plus strand (G>A on the coding strand, the complement: MRTFA is on the minus strand). VCF-style: chr22-40424307-C-T. GRCh37 (hg19) VCF-style: chr22-40820311-C-T.
Other names: c.376G>A, p.Glu126Lys (NM_001282660.2); c.676G>A, p.Glu226Lys (NM_001282661.3, NM_001282662.3); c.481G>A, p.Glu161Lys (NM_001318139.2); short protein forms E126K, E161K, E226K.
Identifiers: ClinVar variation 1683151 (VCV001683151.8), dbSNP rs138116355, ClinGen allele CA10249898.
Genomic context (GRCh38, chr22:40,424,307, plus strand): 5'-TGACTCGGGCCTCCAGGGGTGACGGCACAGAACCCTGGGACTCATGGCTGGCAGGCTGCT[C>T]GGGGGATAAGGCATCGCTGCTGTCCTCATCGAAGGAAGAGCTGTCTGCTACTTTGGGATA-3'
Protein context (NP_065882.2, residues 216-236): DEDSSDALSP[Glu226Lys]QPASHESQGS